The following is an entry in ClinVar:

ClinVar aggregate classification (germline): Uncertain significance (1 of 4 stars; one submission).

Submission:

GeneDx
Classification: Uncertain significance. Last evaluated: 2022-09-15. Review status: criteria provided, single submitter. Criteria: GeneDx Variant Classification Process June 2021. Collection method: clinical testing. Allele origin: germline. Affected: yes.
Comment: Not observed at significant frequency in large population cohorts (gnomAD); In silico analysis supports that this variant does not alter splicing; Has not been previously published as pathogenic or benign to our knowledge

NM_003737.4(DCHS1):c.7147-6C>T

Gene: DCHS1 (dachsous cadherin-related 1; minus strand). Cytogenetic location: 11p15.4.
Variant type: single nucleotide variant.
Coding change: c.7147-6C>T on transcript NM_003737.4 (MANE Select); 6 bases into the intron before coding-DNA position 7147, C replaced by T.
Molecular consequence: intron variant.
Genome position (GRCh38, 1-based): chr11:6,624,874, G>A on the plus strand (C>T on the coding strand, the complement: DCHS1 is on the minus strand). VCF-style: chr11-6624874-G-A. GRCh37 (hg19) VCF-style: chr11-6646105-G-A.
Identifiers: ClinVar variation 2444545 (VCV002444545.1), dbSNP rs2493814243, ClinGen allele CA2580083992.
Genomic context (GRCh38, chr11:6,624,874, plus strand): 5'-TGGCAGAGACGGAGAGAATGGCACTGCCTGGGGGTGTGTGCTCAAGCAGCATTACCTGAA[G>A]TGTGAGGAAAAGTGCTTATTGCCAGGCTTCCCATTTGCCCTGCTGTCCATGCAGCCTGTT-3'